The following is an entry in ClinVar:

NM_000188.3(HK1):c.2021T>C (p.Val674Ala)

Gene: HK1 (hexokinase 1; plus strand). Cytogenetic location: 10q22.1.
Variant type: single nucleotide variant.
Coding change: c.2021T>C on transcript NM_000188.3 (MANE Select); coding-DNA position 2021, T replaced by C.
Protein change: p.Val674Ala; replaces valine 674 with alanine.
Molecular consequence: missense variant.
Genome position (GRCh38, 1-based): chr10:69,389,282, T>C. VCF-style: chr10-69389282-T-C. GRCh37 (hg19) VCF-style: chr10-71149038-T-C.
Other names: c.2033T>C, p.Val678Ala (NM_001322364.2, NM_001358263.1, NM_033497.3 and 1 more transcripts); c.2126T>C, p.Val709Ala (NM_001322365.2); c.1937T>C, p.Val646Ala (NM_001322366.1); c.1925T>C, p.Val642Ala (NM_001322367.1); c.2018T>C, p.Val673Ala (NM_033496.3); c.1985T>C, p.Val662Ala (NM_033500.2); c.2021T>C (NM_000188.2); short protein forms V642A, V646A, V662A, V673A, V674A, V678A, V709A.
Identifiers: ClinVar variation 1718970 (VCV001718970.6), dbSNP rs2132923322, ClinGen allele CA376913778.

ClinVar aggregate classification (germline): Uncertain significance. Review status: criteria provided, multiple submitters, no conflicts (2 of 4 stars). 2 submissions from 2 submitters: Uncertain significance (2). Last evaluated 2026-04-16.

Conditions:
Inborn genetic diseases. Identifiers: MedGen C0950123, MeSH D030342.

Allele frequency attached by ClinVar (database versions not stated): gnomAD exomes below 0.00001.
gnomAD v4.1: 2 of 1,609,576 alleles (0.00012%); highest among the groups gnomAD compares: East Asian, 0.0022%; no homozygotes.

Submissions (2):

Ambry Genetics
Classification: Uncertain significance for Inborn genetic diseases. Last evaluated: 2026-04-16. Review status: criteria provided, single submitter. Criteria: Ambry Variant Classification Scheme 2023. Collection method: clinical testing. Allele origin: germline.

Labcorp Genetics (formerly Invitae), Labcorp
Classification: Uncertain significance. Last evaluated: 2022-09-06. Review status: criteria provided, single submitter. Criteria: Invitae Variant Classification Sherloc (09022015). Collection method: clinical testing. Allele origin: germline.
Comment: In summary, the available evidence is currently insufficient to determine the role of this variant in disease. Therefore, it has been classified as a Variant of Uncertain Significance. Algorithms developed to predict the effect of missense changes on protein structure and function are either unavailable or do not agree on the potential impact of this missense change (SIFT: "Deleterious"; PolyPhen-2: "Possibly Damaging"; Align-GVGD: "Class C0"). This variant has not been reported in the literature in individuals affected with HK1-related conditions. This variant is not present in population databases (gnomAD no frequency). This sequence change replaces valine, which is neutral and non-polar, with alanine, which is neutral and non-polar, at codon 674 of the HK1 protein (p.Val674Ala).